The following is an entry in ClinVar:

NM_021224.6(ZNF462):c.2329A>G (p.Ile777Val)

Gene: ZNF462 (zinc finger protein 462; plus strand). Cytogenetic location: 9q31.2.
Variant type: single nucleotide variant.
Coding change: c.2329A>G on transcript NM_021224.6 (MANE Select); coding-DNA position 2329, A replaced by G.
Protein change: p.Ile777Val; replaces isoleucine 777 with valine.
Molecular consequence: missense variant.
Genome position (GRCh38, 1-based): chr9:106,926,241, A>G. VCF-style: chr9-106926241-A-G. GRCh37 (hg19) VCF-style: chr9-109688522-A-G.
Other names: c.2329A>G, p.Ile777Val (NM_001347997.2); short protein forms I777V.
Identifiers: ClinVar variation 4682017 (VCV004682017.5).
Genomic context (GRCh38, chr9:106,926,241, plus strand): 5'-GCCCAACAGATATGGGTAAGAGATACCAGTGAGCCCCAGAAAGAGCCCAACTTCAGAAAC[A>G]TCACCCACGATTACAATGCCACCAATGGGGCTGAGATTGAGCTCACCCTTTCTGAAGATG-3'
Protein context (NP_067047.4, residues 767-787): EPQKEPNFRN[Ile777Val]THDYNATNGA

ClinVar aggregate classification (germline): Uncertain significance (1 of 4 stars; one submission).

Submission:

CeGaT Center for Human Genetics Tuebingen
Classification: Uncertain significance. Last evaluated: 2025-12-01. Review status: criteria provided, single submitter. Criteria: CeGaT Center For Human Genetics Tuebingen Variant Classification Criteria Version 2. Collection method: clinical testing. Allele origin: germline. Affected: yes. Observed: 1 variant allele.
Comment: ZNF462: PM2, BP4